The following is an entry in ClinVar:

NM_005560.6(LAMA5):c.5856G>A (p.Ala1952=)

Gene: LAMA5 (laminin subunit alpha 5; minus strand). Cytogenetic location: 20q13.33.
Variant type: single nucleotide variant.
Coding change: c.5856G>A on transcript NM_005560.6 (MANE Select); coding-DNA position 5856, G replaced by A.
Protein change: p.Ala1952=; no amino-acid change (alanine 1952 retained).
Molecular consequence: synonymous variant.
Genome position (GRCh38, 1-based): chr20:62,323,664, C>T on the plus strand (G>A on the coding strand, the complement: LAMA5 is on the minus strand). VCF-style: chr20-62323664-C-T. GRCh37 (hg19) VCF-style: chr20-60898720-C-T.
Other names: p.Ala1952=.
Identifiers: ClinVar variation 1666368 (VCV001666368.10), dbSNP rs146904037, ClinGen allele CA9941980.

ClinVar aggregate classification (germline): Benign. Review status: criteria provided, multiple submitters, no conflicts (2 of 4 stars). 3 submissions from 3 submitters: Benign (3). Last evaluated 2026-02-01.

Allele frequency attached by ClinVar (database versions not stated): 1000 Genomes Project 0.00779; 1000 Genomes Project 30x 0.00781; TOPMed 0.01637; gnomAD 0.01959 and 0.02005; ESP Exome Variant Server 0.02029; gnomAD exomes 0.02060; ExAC 0.02282.
gnomAD v4.1: 38,900 of 1,606,930 alleles (2.4%); highest among the groups gnomAD compares: Non-Finnish European, 2.8%; 549 homozygotes.

Submissions (3):

Labcorp Genetics (formerly Invitae), Labcorp
Classification: Benign. Last evaluated: 2026-02-01. Review status: criteria provided, single submitter. Criteria: Invitae Variant Classification Sherloc (09022015). Collection method: clinical testing. Allele origin: germline.

Mayo Clinic Laboratories, Mayo Clinic
Classification: Benign. Last evaluated: 2023-12-15. Review status: criteria provided, single submitter. Criteria: ACMG Guidelines, 2015. Collection method: clinical testing. Allele origin: germline. Observed: 3 variant alleles.
Comment: BS1, BS2, BP4, BP7

Breakthrough Genomics
Classification: Benign. Review status: criteria provided, single submitter. Criteria: ACMG Guidelines, 2015. Collection method: not provided. Allele origin: germline. Inheritance: Autosomal recessive inheritance. Affected: yes.